The following is an entry in ClinVar:

NM_001267550.2(TTN):c.107647del (p.Ser35883fs)

Genes: TTN (titin; minus strand), TTN-AS1 (TTN antisense RNA 1; plus strand). Cytogenetic location: 2q31.2.
Variant type: Deletion.
Coding change: c.107647del on transcript NM_001267550.2 (MANE Select); coding-DNA position 107647, one base deleted (T; older notation c.107647delT).
Protein change: p.Ser35883fs; shifts the reading frame from serine 35883.
Molecular consequence: frameshift variant.
Genome position (GRCh38, 1-based): chr2:178,527,479, A deleted on the plus strand (T on the coding strand, the reverse complement: TTN is on the minus strand). VCF-style (leftmost placement, unchanged base first): chr2-178527478-GA-G. GRCh37 (hg19) VCF-style: chr2-179392205-GA-G.
Other names: AJ277892.2:g.292998delT; c.99943delT (NM_133378.4); c.102724del, p.Ser34242fs (NM_001256850.1); c.80452del, p.Ser26818fs (NM_003319.4); c.99943del, p.Ser33315fs (NM_133378.4); c.80827del, p.Ser26943fs (NM_133432.3); c.81028del, p.Ser27010fs (NM_133437.4); short protein forms S33315fs, S34242fs, S35883fs, S26818fs, S26943fs, S27010fs.
Identifiers: ClinVar variation 38442 (VCV000038442.3), dbSNP rs281864932, ClinGen allele CA343100.

ClinVar aggregate classification (germline): Pathogenic (0 of 4 stars; one submission).

Conditions:
Tibial muscular dystrophy (TMD). Also called: Tibial muscular dystrophy, tardive; UDD MYOPATHY; Udd Distal Myopathy – Tibial Muscular Dystrophy. Identifiers: Orphanet 609, MedGen C1838244, MONDO:0010870, OMIM 600334.

Allele frequency attached by ClinVar (database versions not stated): TOPMed below 0.00001.

Submission:

GeneReviews
Classification: Pathogenic for Udd Distal Myopathy. Last evaluated: 2012-08-23. Review status: no assertion criteria provided. Collection method: curation. Allele origin: unknown.
ClinVar note: Converted during submission from pathologic to Pathogenic.